The following is an entry in ClinVar:

ClinVar aggregate classification (germline): Pathogenic/Likely pathogenic. Review status: criteria provided, multiple submitters, no conflicts (2 of 4 stars). 2 submissions from 2 submitters: Pathogenic (1); Likely pathogenic (1). Last evaluated 2017-06-01.

Conditions:
Polycystic kidney disease, adult type (PKD1). Also called: POLYCYSTIC KIDNEY DISEASE, ADULT, TYPE I; Polycystic Kidney, Autosomal Dominant; POLYCYSTIC KIDNEY DISEASE 1 WITH OR WITHOUT POLYCYSTIC LIVER DISEASE; Polycystic Kidney Disease 1, Autosomal Dominant; Polycystic kidney disease 1; Polycystic kidney disease 1, severe. Identifiers: MedGen C3149841, MONDO:0008263, OMIM 173900.

Submissions (2):

CeGaT Center for Human Genetics Tuebingen
Classification: Likely pathogenic. Last evaluated: 2017-06-01. Review status: criteria provided, single submitter. Criteria: CeGaT Center For Human Genetics Tuebingen Variant Classification Criteria Version 2. Collection method: clinical testing. Allele origin: germline. Affected: yes. Observed: 1 variant allele.

Juno Genomics, Hangzhou Juno Genomics, Inc
Classification: Pathogenic for Polycystic kidney disease, adult type. Review status: criteria provided, single submitter. Criteria: ACMG Guidelines, 2015. Collection method: clinical testing. Allele origin: germline. Affected: yes.
Comment: Absent from controls (or at extremely low frequency if recessive) in Genome Aggregation Database, Exome Sequencing Project, 1000 Genomes Project, or Exome Aggregation Consortium.;Null variant in a gene where loss of function (LOF) is a known mechanism of disease.

NM_001009944.3(PKD1):c.12230_12239del (p.Ala4077fs)

Gene: PKD1 (polycystin 1, transient receptor potential channel interacting; minus strand). Cytogenetic location: 16p13.3.
Variant type: Deletion.
Coding change: c.12230_12239del on transcript NM_001009944.3 (MANE Select); coding-DNA positions 12230 to 12239, 10 bases deleted (CCGAGTCCTG; older notation c.12230_12239delCCGAGTCCTG).
Protein change: p.Ala4077fs; shifts the reading frame from alanine 4077.
Molecular consequence: frameshift variant.
Genome position (GRCh38, 1-based): chr16:2,090,490-2,090,499, CAGGACTCGG deleted on the plus strand (CCGAGTCCTG on the coding strand, the reverse complement: PKD1 is on the minus strand); deleting any 10 consecutive bases within chr16:2,090,490-2,090,505 gives the same sequence; the c. name uses the placement nearest the transcript's 3' end. VCF-style (leftmost placement, unchanged base first): chr16-2090489-CCAGGACTCGG-C. GRCh37 (hg19) VCF-style: chr16-2140490-CCAGGACTCGG-C.
Other names: c.12227_12236del, p.Ala4076fs (NM_000296.4); short protein forms A4076fs, A4077fs.
Identifiers: ClinVar variation 444356 (VCV000444356.45), dbSNP rs1555444715, ClinGen allele CA658653829.